The following is an entry in ClinVar:

ClinVar aggregate classification (germline): Uncertain significance (1 of 4 stars; one submission).

Conditions:
Nemaline myopathy 2 (NEM2). Also called: Nemaline myopathy 2, autosomal recessive. Identifiers: MedGen C1850569, MONDO:0009725, OMIM 256030.

Submission:

Labcorp Genetics (formerly Invitae), Labcorp
Classification: Uncertain significance for Nemaline myopathy 2. Last evaluated: 2021-05-27. Review status: criteria provided, single submitter. Criteria: Invitae Variant Classification Sherloc (09022015). Collection method: clinical testing. Allele origin: germline.
Comment: This sequence change replaces serine with cysteine at codon 1811 of the NEB protein (p.Ser1811Cys). The serine residue is weakly conserved and there is a moderate physicochemical difference between serine and cysteine. This variant is not present in population databases (ExAC no frequency). This variant has not been reported in the literature in individuals with NEB-related conditions. Algorithms developed to predict the effect of missense changes on protein structure and function output the following: SIFT: "Tolerated"; PolyPhen-2: "Not Available"; Align-GVGD: "Class C0". The cysteine amino acid residue is found in multiple mammalian species, suggesting that this missense change does not adversely affect protein function. These predictions have not been confirmed by published functional studies and their clinical significance is uncertain. In summary, the available evidence is currently insufficient to determine the role of this variant in disease. Therefore, it has been classified as a Variant of Uncertain Significance.

NM_001164508.2(NEB):c.5432C>G (p.Ser1811Cys)

Gene: NEB (nebulin; minus strand). Cytogenetic location: 2q23.3.
Variant type: single nucleotide variant.
Coding change: c.5432C>G on transcript NM_001164508.2 (MANE Select); coding-DNA position 5432, C replaced by G.
Protein change: p.Ser1811Cys; replaces serine 1811 with cysteine.
Molecular consequence: missense variant.
Genome position (GRCh38, 1-based): chr2:151,664,520, G>C on the plus strand (C>G on the coding strand, the complement: NEB is on the minus strand). VCF-style: chr2-151664520-G-C. GRCh37 (hg19) VCF-style: chr2-152521034-G-C.
Other names: c.5432C>G, p.Ser1811Cys (NM_001164507.2, NM_001271208.2, NM_004543.5); short protein forms S1811C.
Identifiers: ClinVar variation 1951761 (VCV001951761.2), dbSNP rs943127366, ClinGen allele CA57644172.